The following is an entry in ClinVar:

ClinVar aggregate classification (germline): Uncertain significance. Review status: criteria provided, multiple submitters, no conflicts (2 of 4 stars). 3 submissions from 3 submitters: Uncertain significance (3). Last evaluated 2025-01-21.

Conditions:
Arrhythmogenic right ventricular dysplasia 12. Also called: ARRHYTHMOGENIC RIGHT VENTRICULAR DYSPLASIA, FAMILIAL, 12. Identifiers: MedGen C1969081, MONDO:0012684, OMIM 611528.
Naxos disease (NXD). Also called: KERATOSIS PALMOPLANTARIS WITH ARRHYTHMOGENIC CARDIOMYOPATHY; MAL DE NAXOS; PALMOPLANTAR KERATODERMA WITH ARRHYTHMOGENIC RIGHT VENTRICULAR CARDIOMYOPATHY AND WOOLLY HAIR; WOOLLY HAIR, PALMOPLANTAR KERATODERMA, AND CARDIAC ABNORMALITIES; CARDIOMYOPATHY, ARRHYTHMOGENIC RIGHT VENTRICULAR, WITH SKIN, HAIR, AND NAIL ABNORMALITIES. Identifiers: Orphanet 34217, MedGen C1832600, MONDO:0011017, OMIM 601214.
Cardiovascular phenotype. Identifiers: MedGen CN230736.

Allele frequency attached by ClinVar (database versions not stated): gnomAD exomes below 0.00001; gnomAD 0.00001; TOPMed 0.00001; ESP Exome Variant Server 0.00008.
gnomAD v4.1: 6 of 1,613,096 alleles (0.00037%); highest among the groups gnomAD compares: Middle Eastern, 0.016%; no homozygotes.

Submissions (3):

Labcorp Genetics (formerly Invitae), Labcorp
Classification: Uncertain significance for Arrhythmogenic right ventricular dysplasia 12; Naxos disease. Last evaluated: 2025-01-21. Review status: criteria provided, single submitter. Criteria: Invitae Variant Classification Sherloc (09022015). Collection method: clinical testing. Allele origin: germline.
Comment: This sequence change replaces alanine, which is neutral and non-polar, with threonine, which is neutral and polar, at codon 620 of the JUP protein (p.Ala620Thr). The frequency data for this variant in the population databases is considered unreliable, as metrics indicate poor data quality at this position in the gnomAD database. This variant has not been reported in the literature in individuals affected with JUP-related conditions. ClinVar contains an entry for this variant (Variation ID: 2448237). An algorithm developed to predict the effect of missense changes on protein structure and function (PolyPhen-2) suggests that this variant is likely to be tolerated. In summary, the available evidence is currently insufficient to determine the role of this variant in disease. Therefore, it has been classified as a Variant of Uncertain Significance.

Ambry Genetics
Classification: Uncertain significance for Cardiovascular phenotype. Last evaluated: 2023-02-17. Review status: criteria provided, single submitter. Criteria: Ambry Variant Classification Scheme 2023. Collection method: clinical testing. Allele origin: germline.
Comment: The p.A620T variant (also known as c.1858G>A), located in coding exon 10 of the JUP gene, results from a G to A substitution at nucleotide position 1858. The alanine at codon 620 is replaced by threonine, an amino acid with similar properties. This amino acid position is conserved. In addition, this alteration is predicted to be tolerated by in silico analysis. Since supporting evidence is limited at this time, the clinical significance of this alteration remains unclear.

Blueprint Genetics
Classification: Uncertain significance. Last evaluated: 2017-10-04. Review status: criteria provided, single submitter. Criteria: ACMG Guidelines, 2015. Collection method: clinical testing. Allele origin: germline.

NM_002230.4(JUP):c.1858G>A (p.Ala620Thr)

Gene: JUP (junction plakoglobin; minus strand). Cytogenetic location: 17q21.2.
Variant type: single nucleotide variant.
Coding change: c.1858G>A on transcript NM_002230.4 (MANE Select); coding-DNA position 1858, G replaced by A.
Protein change: p.Ala620Thr; replaces alanine 620 with threonine.
Molecular consequence: missense variant.
Genome position (GRCh38, 1-based): chr17:41,757,700, C>T on the plus strand (G>A on the coding strand, the complement: JUP is on the minus strand). VCF-style: chr17-41757700-C-T. GRCh37 (hg19) VCF-style: chr17-39913952-C-T.
Other names: c.1858G>A, p.Ala620Thr (NM_001352773.2, NM_001352774.2, NM_001352775.2 and 3 more transcripts); short protein forms A620T.
Identifiers: ClinVar variation 2448237 (VCV002448237.5), dbSNP rs373919544, ClinGen allele CA8565097.